The following is an entry in ClinVar:

NM_001256545.2(MEGF10):c.2031C>A (p.Asn677Lys)

Gene: MEGF10 (multiple EGF like domains 10; plus strand). Cytogenetic location: 5q23.2.
Variant type: single nucleotide variant.
Coding change: c.2031C>A on transcript NM_001256545.2 (MANE Select); coding-DNA position 2031, C replaced by A.
Protein change: p.Asn677Lys; replaces asparagine 677 with lysine.
Molecular consequence: missense variant.
Genome position (GRCh38, 1-based): chr5:127,435,416, C>A. VCF-style: chr5-127435416-C-A. GRCh37 (hg19) VCF-style: chr5-126771108-C-A.
Other names: c.2031C>A, p.Asn677Lys (NM_032446.3); short protein forms N677K.
Identifiers: ClinVar variation 1973010 (VCV001973010.5), dbSNP rs921304688, ClinGen allele CA360732579.

ClinVar aggregate classification (germline): Uncertain significance (1 of 4 stars; one submission).

Conditions:
MEGF10-related myopathy (CMYO10A). Also called: Congenital myopathy 10A, severe variant. Identifiers: Orphanet 439212, MedGen C3280679, MONDO:0013731, OMIM 614399.

gnomAD v4.1: 1 of 1,614,152 alleles (0.000062%); highest among the groups gnomAD compares: South Asian, 0.0011%; no homozygotes.

Submission:

Labcorp Genetics (formerly Invitae), Labcorp
Classification: Uncertain significance for MEGF10-related myopathy. Last evaluated: 2022-06-27. Review status: criteria provided, single submitter. Criteria: Invitae Variant Classification Sherloc (09022015). Collection method: clinical testing. Allele origin: germline.
Comment: In summary, the available evidence is currently insufficient to determine the role of this variant in disease. Therefore, it has been classified as a Variant of Uncertain Significance. Algorithms developed to predict the effect of missense changes on protein structure and function (SIFT, PolyPhen-2, Align-GVGD) all suggest that this variant is likely to be disruptive. This variant has not been reported in the literature in individuals affected with MEGF10-related conditions. This variant is not present in population databases (gnomAD no frequency). This sequence change replaces asparagine, which is neutral and polar, with lysine, which is basic and polar, at codon 677 of the MEGF10 protein (p.Asn677Lys).